The following is an entry in ClinVar:

NM_144997.7(FLCN):c.623T>G (p.Phe208Cys)

Gene: FLCN (folliculin; minus strand). Cytogenetic location: 17p11.2.
Variant type: single nucleotide variant.
Coding change: c.623T>G on transcript NM_144997.7 (MANE Select); coding-DNA position 623, T replaced by G.
Protein change: p.Phe208Cys; replaces phenylalanine 208 with cysteine.
Molecular consequence: missense variant.
Genome position (GRCh38, 1-based): chr17:17,222,657, A>C on the plus strand (T>G on the coding strand, the complement: FLCN is on the minus strand). VCF-style: chr17-17222657-A-C. GRCh37 (hg19) VCF-style: chr17-17125971-A-C.
Other names: c.623T>G, p.Phe208Cys (NM_001353230.2, NM_001353231.2, NM_144606.7); c.677T>G, p.Phe226Cys (NM_001353229.2); short protein forms F226C, F208C.
Identifiers: ClinVar variation 948543 (VCV000948543.8), dbSNP rs1441105848, ClinGen allele CA398534146.

ClinVar aggregate classification (germline): Uncertain significance. Review status: criteria provided, multiple submitters, no conflicts (2 of 4 stars). 3 submissions from 3 submitters: Uncertain significance (3). Last evaluated 2025-06-29.

Conditions:
Hereditary cancer-predisposing syndrome. Also called: Neoplastic Syndromes, Hereditary; Hereditary neoplastic syndrome; Hereditary Cancer Syndrome; Tumor predisposition. Identifiers: Orphanet 140162, MedGen C0027672, MeSH D009386, MONDO:0015356.
Birt-Hogg-Dube syndrome. Also called: Birt Hogg Dubé syndrome. Identifiers: Orphanet 122, MedGen C0346010, MONDO:0800444.

Allele frequency attached by ClinVar (database versions not stated): gnomAD exomes below 0.00001; gnomAD 0.00001; TOPMed 0.00001.

Submissions (3):

Labcorp Genetics (formerly Invitae), Labcorp
Classification: Uncertain significance for Birt-Hogg-Dube syndrome. Last evaluated: 2025-06-29. Review status: criteria provided, single submitter. Criteria: Invitae Variant Classification Sherloc (09022015). Collection method: clinical testing. Allele origin: germline.
Comment: This sequence change replaces phenylalanine, which is neutral and non-polar, with cysteine, which is neutral and slightly polar, at codon 208 of the FLCN protein (p.Phe208Cys). This variant is not present in population databases (gnomAD no frequency). This variant has not been reported in the literature in individuals affected with FLCN-related conditions. ClinVar contains an entry for this variant (Variation ID: 948543). Invitae Evidence Modeling of protein sequence and biophysical properties (such as structural, functional, and spatial information, amino acid conservation, physicochemical variation, residue mobility, and thermodynamic stability) indicates that this missense variant is not expected to disrupt FLCN protein function with a negative predictive value of 80%. RNA analysis performed to evaluate the impact of this missense change on mRNA splicing indicates it does not significantly alter splicing (internal data). In summary, the available evidence is currently insufficient to determine the role of this variant in disease. Therefore, it has been classified as a Variant of Uncertain Significance.

Ambry Genetics
Classification: Uncertain significance for Hereditary cancer-predisposing syndrome. Last evaluated: 2024-06-04. Review status: criteria provided, single submitter. Criteria: Ambry Variant Classification Scheme 2023. Collection method: clinical testing. Allele origin: germline.
Comment: The p.F208C variant (also known as c.623T>G), located in coding exon 4 of the FLCN gene, results from a T to G substitution at nucleotide position 623. The phenylalanine at codon 208 is replaced by cysteine, an amino acid with highly dissimilar properties. This amino acid position is conserved. In addition, this alteration is predicted to be deleterious by in silico analysis. Based on the available evidence, the clinical significance of this variant remains unclear.

St. Jude Molecular Pathology, St. Jude Children's Research Hospital
Classification: Uncertain significance for Birt-Hogg-Dube syndrome 1. Last evaluated: 2023-10-16. Review status: criteria provided, single submitter. Criteria: St. Jude Assertion Criteria 2020. Collection method: clinical testing. Allele origin: germline.
Comment: The FLCN c.623T>G (p.Phe208Cys) missense change is absent in gnomAD v2.1.1. The in silico tool REVEL predicts a deleterious effect on protein function, but to our knowledge this prediction has not been confirmed by functional studies. To our knowledge, this variant has not been reported in individuals with Birt-Hogg-Dubé syndrome. In summary, the evidence currently available is insufficient to determine the clinical significance of this variant. It has therefore been classified as of uncertain significance.